The following is an entry in ClinVar:

ClinVar aggregate classification (germline): Uncertain significance (1 of 4 stars; one submission).

Submission:

Women's Health and Genetics/Laboratory Corporation of America, LabCorp
Classification: Uncertain significance. Last evaluated: 2023-03-06. Review status: criteria provided, single submitter. Criteria: LabCorp Variant Classification Summary - May 2015. Collection method: clinical testing. Allele origin: germline.
Comment: Variant summary: The variant identified by MLPA or other technology involves the duplication of exons 11-12 in the PALB2 gene. A presumed nomenclature of c.(3113+1_3114-1)_(3350+1_3351-1)dup has been designated for the purposes of this classification. It has been assumed that this is a tandem duplication in direct orientation (Richardson_GIM_2018, Newman_AJHG_2015). Although exact breakpoints of this duplication are not known, it is expected to result in a large in-frame duplication change in the PALB2 gene, inserting 79 amino acids into the WD40 domain (amino acids 840-1184; IPR031920) of the protein. The variant was absent in 21694 control chromosomes in the gnomAD database, structural variants dataset. The available data on variant occurrences in the general population are insufficient to allow any conclusion about variant significance. To our knowledge, no occurrence of c.(3113+1_3114-1)_(3350+1_3351-1)dup in individuals affected with Breast Cancer and no experimental evidence demonstrating its impact on protein function have been reported. One clinical diagnostic laboratory has submitted clinical-significance assessments for this (or a similar) variant to ClinVar after 2014, and classified the variant as uncertain significance. Based on the evidence outlined above, the variant was classified as uncertain significance.

NC_000016.9:g.(23614991_23619184)_(23625413_23632682)dup

Gene: PALB2 (partner and localizer of BRCA2; minus strand). Cytogenetic location: 16p12.2.
Variant type: Duplication.
Identifiers: ClinVar variation 2501253 (VCV002501253.1).